The following is an entry in ClinVar:

ClinVar aggregate classification (germline): Likely benign. Review status: criteria provided, multiple submitters, no conflicts (2 of 4 stars). 2 submissions from 2 submitters: Likely benign (2). Last evaluated 2024-10-08.

Conditions:
Combined immunodeficiency due to DOCK8 deficiency (HIES2). Also called: HIES autosomal recessive; HYPER-IgE RECURRENT INFECTION SYNDROME 2, AUTOSOMAL RECESSIVE; DOCK8 Deficiency; Hyper-IgE recurrent infection syndrome, autosomal recessive; HYPER-IgE SYNDROME 2, AUTOSOMAL RECESSIVE, WITH RECURRENT INFECTIONS. Identifiers: Orphanet 217390, MedGen C4722305, MONDO:0009478, OMIM 243700.

Submissions (2):

Labcorp Genetics (formerly Invitae), Labcorp
Classification: Likely benign for Combined immunodeficiency due to DOCK8 deficiency. Last evaluated: 2024-10-08. Review status: criteria provided, single submitter. Criteria: Invitae Variant Classification Sherloc (09022015). Collection method: clinical testing. Allele origin: germline.

GeneDx
Classification: Likely benign. Last evaluated: 2017-03-22. Review status: criteria provided, single submitter. Criteria: GeneDx Variant Classification (06012015). Collection method: clinical testing. Allele origin: germline. Affected: yes.
Comment: This variant is considered likely benign or benign based on one or more of the following criteria: it is a conservative change, it occurs at a poorly conserved position in the protein, it is predicted to be benign by multiple in silico algorithms, and/or has population frequency not consistent with disease.

NM_203447.4(DOCK8):c.2874+8AG[2]

Gene: DOCK8 (dedicator of cytokinesis 8; plus strand). Cytogenetic location: 9p24.3.
Variant type: Microsatellite.
Coding change: c.2874+8AG[2] on transcript NM_203447.4 (MANE Select); two copies in a row of the 2-base unit AG starting at c.2874+8; the reference has three copies in a row; one copy, 2 bases deleted.
Molecular consequence: intron variant.
Genome position (GRCh38, 1-based): chr9:386,438-386,439, AG deleted; deleting any 2 consecutive bases within chr9:386,434-386,439 gives the same sequence; the position shown is the placement nearest the transcript's 3' end. VCF-style (leftmost placement, unchanged base first): chr9-386433-AAG-A. GRCh37 (hg19) VCF-style: chr9-386433-AAG-A.
Other names: c.2670+8AG[2] (NM_001193536.2); c.2574+3749AG[2] (NM_001190458.2); c.2874+12_2874+13delAG (NM_203447.3).
Identifiers: ClinVar variation 508076 (VCV000508076.6), dbSNP rs1182917562, ClinGen allele CA585878799.
Genomic context (GRCh38, chr9:386,433, plus strand): 5'-GGCAGTAGTGATGCTCCAAGTTCACCTGCAGCCCCAAGGCCAGCCAGCAAAAAGGTACTG[AAG>A]AGAGCAATGTGAGGTTCATCCCAGGATAAGAACAGAAGGATTTCCTCATGCCCTCACACT-3'